The following is an entry in ClinVar:

NM_032607.3(CREB3L3):c.822-3C>A

Gene: CREB3L3 (cAMP responsive element binding protein 3 like 3; plus strand). Cytogenetic location: 19p13.3.
Variant type: single nucleotide variant.
Coding change: c.822-3C>A on transcript NM_032607.3 (MANE Select); 3 bases into the intron before coding-DNA position 822, C replaced by A.
Molecular consequence: intron variant.
Genome position (GRCh38, 1-based): chr19:4,170,137, C>A. VCF-style: chr19-4170137-C-A. GRCh37 (hg19) VCF-style: chr19-4170134-C-A.
Other names: c.715-3C>A (NM_001271997.2); c.816-3C>A (NM_001271996.2); c.819-3C>A (NM_001271995.2).
Identifiers: ClinVar variation 2994618 (VCV002994618.3), dbSNP rs774651162, ClinGen allele CA2740091848.

ClinVar aggregate classification (germline): Uncertain significance (1 of 4 stars; one submission).

Submission:

Labcorp Genetics (formerly Invitae), Labcorp
Classification: Uncertain significance. Last evaluated: 2023-07-04. Review status: criteria provided, single submitter. Criteria: Invitae Variant Classification Sherloc (09022015). Collection method: clinical testing. Allele origin: germline.
Comment: This sequence change falls in intron 6 of the CREB3L3 gene. It does not directly change the encoded amino acid sequence of the CREB3L3 protein. It affects a nucleotide within the consensus splice site. This variant is not present in population databases (gnomAD no frequency). This variant has not been reported in the literature in individuals affected with CREB3L3-related conditions. Variants that disrupt the consensus splice site are a relatively common cause of aberrant splicing (PMID: 17576681, 9536098). Algorithms developed to predict the effect of sequence changes on RNA splicing suggest that this variant is not likely to affect RNA splicing. In summary, the available evidence is currently insufficient to determine the role of this variant in disease. Therefore, it has been classified as a Variant of Uncertain Significance.

Literature cited by the submitters: PubMed 17576681; PubMed 9536098.